The following is an entry in ClinVar:

ClinVar aggregate classification (germline): Conflicting classifications of pathogenicity. Review status: criteria provided, conflicting classifications (1 of 4 stars). 5 submissions from 5 submitters: Uncertain significance (1); Likely benign (4). Last evaluated 2026-01-01.

Conditions:
Inborn genetic diseases. Identifiers: MedGen C0950123, MeSH D030342.
Hypogonadotropic hypogonadism 5 with or without anosmia (KAL5). Also called: HYPOGONADOTROPIC HYPOGONADISM 5 WITH ANOSMIA; HYPOGONADOTROPHIC HYPOGONADISM 5 WITHOUT ANOSMIA; CHD7-Related GnRH Deficiency (Kallmann Syndrome 5). Identifiers: Orphanet 478, MedGen C3552553, MONDO:0012880, OMIM 612370. Disease mechanism: loss of function.
CHARGE syndrome (CHARGE). Also called: CHARGE ASSOCIATION--COLOBOMA, HEART ANOMALY, CHOANAL ATRESIA, RETARDATION, GENITAL AND EAR ANOMALIES; Coloboma, heart anomaly, choanal atresia, retardation, genital and ear anomalies; CHARGE association; Hall-Hittner syndrome; Hittner Hirsch Kreh syndrome. Identifiers: Orphanet 138, MedGen C0265354, MONDO:0008965.

Allele frequency attached by ClinVar (database versions not stated): ExAC 0.00002; gnomAD 0.00007; gnomAD exomes 0.00007 and 0.00010; TOPMed 0.00017.
gnomAD v4.1: 117 of 1,613,938 alleles (0.0072%); highest among the groups gnomAD compares: Admixed American, 0.053%; no homozygotes.

Submissions (5):

CeGaT Center for Human Genetics Tuebingen
Classification: Likely benign. Last evaluated: 2026-01-01. Review status: criteria provided, single submitter. Criteria: CeGaT Center For Human Genetics Tuebingen Variant Classification Criteria Version 2. Collection method: clinical testing. Allele origin: germline. Affected: yes. Observed: 2 variant alleles.
Comment: CHD7: BP4

Labcorp Genetics (formerly Invitae), Labcorp
Classification: Likely benign for CHARGE syndrome. Last evaluated: 2025-10-07. Review status: criteria provided, single submitter. Criteria: Invitae Variant Classification Sherloc (09022015). Collection method: clinical testing. Allele origin: germline.

Ambry Genetics
Classification: Likely benign for Inborn genetic diseases. Last evaluated: 2023-11-04. Review status: criteria provided, single submitter. Criteria: Ambry Variant Classification Scheme 2023. Collection method: clinical testing. Allele origin: germline.

Illumina Laboratory Services, Illumina
Classification: Likely benign for Kallmann Syndrome 5. Last evaluated: 2018-01-13. Review status: criteria provided, single submitter. Criteria: ICSL Variant Classification Criteria 13 December 2019. Collection method: clinical testing. Allele origin: germline.
Comment: This variant was observed in the ICSL laboratory as part of a predisposition screen in an ostensibly healthy population. It had not been previously curated by ICSL or reported in the Human Gene Mutation Database (HGMD: prior to June 1st, 2018), and was therefore a candidate for classification through an automated scoring system. Utilizing variant allele frequency, disease prevalence and penetrance estimates, and inheritance mode, an automated score was calculated to assess if this variant is too frequent to cause the disease. Based on the score and internal cut-off values, a variant classified as likely benign is not then subjected to further curation. The score for this variant resulted in a classification of likely benign for this disease.

GeneDx
Classification: Uncertain significance. Last evaluated: 2016-05-15. Review status: criteria provided, single submitter. Criteria: GeneDx Variant Classification (06012015). Collection method: clinical testing. Allele origin: germline. Affected: yes.
Comment: To our knowledge, the c.8580 C>T variant has not been published as a pathogenic variant nor has it been reported as a benign variant. It was not observed in approximately 6,400 individuals of European and African American ancestry in the NHLBI Exome Sequencing Project, indicating it is not a common benign variant in these populations. This nucleotide change occurs at a position that is conserved in mammals and results in a synonymous amino acid substitution. It is not predicted to affect splicing; however, the actual effect of the c.8580 C>T sequence change in vivo is unknown in the absence of RNA studies. Additionally, few pathogenic missense variants have been reported in CHARGE syndrome, as most pathogenic variants introduce a premature termination codon. Therefore, based on the currently available information, it is unclear whether c.8580 C>T, or S2860S, is a disease-causing or rare benign variant.

NM_017780.4(CHD7):c.8580C>T (p.Ser2860=)

Gene: CHD7 (chromodomain helicase DNA binding protein 7; plus strand). Cytogenetic location: 8q12.2.
Variant type: single nucleotide variant.
Coding change: c.8580C>T on transcript NM_017780.4 (MANE Select); coding-DNA position 8580, C replaced by T.
Protein change: p.Ser2860=; no amino-acid change (serine 2860 retained).
Molecular consequence: synonymous variant.
Genome position (GRCh38, 1-based): chr8:60,865,519, C>T. VCF-style: chr8-60865519-C-T. GRCh37 (hg19) VCF-style: chr8-61778078-C-T.
Other names: c.8580C>T (LRG_176t1); c.2433C>T, p.Ser811= (NM_001316690.1).
Identifiers: ClinVar variation 363484 (VCV000363484.40), dbSNP rs767368987, ClinGen allele CA4761033.